The following is an entry in ClinVar:

NM_001974.5(ADGRE1):c.1290G>A (p.Thr430=)

Gene: ADGRE1 (adhesion G protein-coupled receptor E1; plus strand). Cytogenetic location: 19p13.2.
Variant type: single nucleotide variant.
Coding change: c.1290G>A on transcript NM_001974.5 (MANE Select); coding-DNA position 1290, G replaced by A.
Protein change: p.Thr430=; no amino-acid change (threonine 430 retained).
Molecular consequence: synonymous variant.
Genome position (GRCh38, 1-based): chr19:6,913,820, G>A. VCF-style: chr19-6913820-G-A. GRCh37 (hg19) VCF-style: chr19-6913831-G-A.
Other names: c.1134G>A, p.Thr378= (NM_001256252.2); c.1290G>A, p.Thr430= (NM_001256253.2); c.867G>A, p.Thr289= (NM_001256254.2); c.759G>A, p.Thr253= (NM_001256255.2); c.1290G>A (NM_001974.4).
Identifiers: ClinVar variation 742124 (VCV000742124.5), dbSNP rs141986863, ClinGen allele CA9133476.

ClinVar aggregate classification (germline): Benign. Review status: criteria provided, single submitter (1 of 4 stars). 2 submissions from 2 submitters: Benign (1). 1 of the submissions does not count toward it. Last evaluated 2018-04-30.

Conditions:
ADGRE1-related disorder. Also called: ADGRE1-related condition.

Allele frequency attached by ClinVar (database versions not stated): gnomAD exomes 0.00021; ExAC 0.00028; gnomAD 0.00052 and 0.00058; TOPMed 0.00076; ESP Exome Variant Server 0.00146.
gnomAD v4.1: 219 of 1,592,858 alleles (0.014%); highest among the groups gnomAD compares: African/African-American, 0.21%; no homozygotes.

Submissions (2):

Labcorp Genetics (formerly Invitae), Labcorp
Classification: Benign. Last evaluated: 2018-04-30. Review status: criteria provided, single submitter. Criteria: Invitae Variant Classification Sherloc (09022015). Collection method: clinical testing. Allele origin: germline.

PreventionGenetics, part of Exact Sciences
Classification: Likely benign for ADGRE1-related condition. Last evaluated: 2023-02-26. Review status: no assertion criteria provided. Collection method: clinical testing. Allele origin: germline. Not counted in ClinVar's aggregate classification.
Comment: This variant is classified as likely benign based on ACMG/AMP sequence variant interpretation guidelines (Richards et al. 2015 PMID: 25741868, with internal and published modifications).